The following is an entry in ClinVar:

ClinVar aggregate classification (germline): Conflicting classifications of pathogenicity. Review status: criteria provided, conflicting classifications (1 of 4 stars). 3 submissions from 3 submitters: Uncertain significance (2); Likely benign (1). Last evaluated 2025-11-23.

Conditions:
Charcot-Marie-Tooth disease axonal type 2O. Also called: CHARCOT-MARIE-TOOTH NEUROPATHY, AXONAL, TYPE 2O; CHARCOT-MARIE-TOOTH DISEASE, AXONAL, AUTOSOMAL DOMINANT, TYPE 2O; Charcot-Marie-Tooth disease, axonal, type 20; Charcot-Marie-Tooth Neuropathy Type 2O. Identifiers: Orphanet 284232, MedGen C3280220, MONDO:0013644, OMIM 614228.
Inborn genetic diseases. Identifiers: MedGen C0950123, MeSH D030342.

Allele frequency attached by ClinVar (database versions not stated): gnomAD exomes below 0.00001; TOPMed below 0.00001; gnomAD 0.00001.
gnomAD v4.1: 9 of 1,614,090 alleles (0.00056%); highest among the groups gnomAD compares: Non-Finnish European, 0.00068%; no homozygotes.

Submissions (3):

Labcorp Genetics (formerly Invitae), Labcorp
Classification: Likely benign for Charcot-Marie-Tooth disease axonal type 2O. Last evaluated: 2025-11-23. Review status: criteria provided, single submitter. Criteria: Invitae Variant Classification Sherloc (09022015). Collection method: clinical testing. Allele origin: germline.

Ambry Genetics
Classification: Uncertain significance for Inborn genetic diseases. Last evaluated: 2020-11-03. Review status: criteria provided, single submitter. Criteria: Ambry Variant Classification Scheme 2023. Collection method: clinical testing. Allele origin: germline.
Comment: The p.Q3135K variant (also known as c.9403C>A), located in coding exon 48 of the DYNC1H1 gene, results from a C to A substitution at nucleotide position 9403. The glutamine at codon 3135 is replaced by lysine, an amino acid with similar properties. This amino acid position is highly conserved in available vertebrate species. In addition, the in silico prediction for this alteration is inconclusive. Since supporting evidence is limited at this time, the clinical significance of this alteration remains unclear.

Genetic Services Laboratory, University of Chicago
Classification: Uncertain significance. Last evaluated: 2016-04-25. Review status: criteria provided, single submitter. Criteria: ACMG Guidelines, 2015. Collection method: clinical testing. Allele origin: germline. Affected: no.

NM_001376.5(DYNC1H1):c.9403C>A (p.Gln3135Lys)

Genes: DYNC1H1 (dynein cytoplasmic 1 heavy chain 1; plus strand), LOC126862060 (BRD4-independent group 4 enhancer GRCh37_chr14:102493659-102494858; plus strand). Cytogenetic location: 14q32.31.
Variant type: single nucleotide variant.
Coding change: c.9403C>A on transcript NM_001376.5 (MANE Select); coding-DNA position 9403, C replaced by A.
Protein change: p.Gln3135Lys; replaces glutamine 3135 with lysine.
Molecular consequence: missense variant.
Genome position (GRCh38, 1-based): chr14:102,028,076, C>A. VCF-style: chr14-102028076-C-A. GRCh37 (hg19) VCF-style: chr14-102494413-C-A.
Other names: short protein forms Q3135K.
Identifiers: ClinVar variation 434990 (VCV000434990.16), dbSNP rs1049866462, ClinGen allele CA266962940.
Genomic context (GRCh38, chr14:102,028,076, plus strand): 5'-CTGGAGAAGCCAAATTACATCGTGCCTGATTACATGCCAGTTGTGTATGATAAGCTGCCG[C>A]AGCCACCATCCCATCGGGAAGCCATTGTGAACAGCTGTGTGTTTGTTCATCAGACTCTTC-3'
Protein context (NP_001367.2, residues 3125-3145): YMPVVYDKLP[Gln3135Lys]PPSHREAIVN